The following is an entry in ClinVar:

NM_019098.5(CNGB3):c.397C>T (p.His133Tyr)

Gene: CNGB3 (cyclic nucleotide gated channel subunit beta 3; minus strand). Cytogenetic location: 8q21.3.
Variant type: single nucleotide variant.
Coding change: c.397C>T on transcript NM_019098.5 (MANE Select); coding-DNA position 397, C replaced by T.
Protein change: p.His133Tyr; replaces histidine 133 with tyrosine.
Molecular consequence: missense variant.
Genome position (GRCh38, 1-based): chr8:86,671,040, G>A on the plus strand (C>T on the coding strand, the complement: CNGB3 is on the minus strand). VCF-style: chr8-86671040-G-A. GRCh37 (hg19) VCF-style: chr8-87683268-G-A.
Other names: short protein forms H133Y.
Identifiers: ClinVar variation 1368038 (VCV001368038.5), dbSNP rs760503824, ClinGen allele CA4800408.

ClinVar aggregate classification (germline): Uncertain significance (1 of 4 stars; one submission).

Allele frequency attached by ClinVar (database versions not stated): gnomAD exomes below 0.00001; ExAC 0.00001; TOPMed 0.00001.
gnomAD v4.1: 1 of 1,613,918 alleles (0.000062%); highest among the groups gnomAD compares: South Asian, 0.0011%; no homozygotes.

Submission:

Labcorp Genetics (formerly Invitae), Labcorp
Classification: Uncertain significance. Last evaluated: 2022-07-12. Review status: criteria provided, single submitter. Criteria: Invitae Variant Classification Sherloc (09022015). Collection method: clinical testing. Allele origin: germline.
Comment: This sequence change replaces histidine, which is basic and polar, with tyrosine, which is neutral and polar, at codon 133 of the CNGB3 protein (p.His133Tyr). This variant is present in population databases (rs760503824, gnomAD 0.003%). This variant has not been reported in the literature in individuals affected with CNGB3-related conditions. ClinVar contains an entry for this variant (Variation ID: 1368038). Advanced modeling of protein sequence and biophysical properties (such as structural, functional, and spatial information, amino acid conservation, physicochemical variation, residue mobility, and thermodynamic stability) performed at Invitae indicates that this missense variant is not expected to disrupt CNGB3 protein function. In summary, the available evidence is currently insufficient to determine the role of this variant in disease. Therefore, it has been classified as a Variant of Uncertain Significance.